The following is an entry in ClinVar:

NM_000057.4(BLM):c.1255del (p.Ser419fs)

Gene: BLM (BLM RecQ like helicase; plus strand). Cytogenetic location: 15q26.1.
Variant type: Deletion.
Coding change: c.1255del on transcript NM_000057.4 (MANE Select); coding-DNA position 1255, one base deleted (A; older notation c.1255delA).
Protein change: p.Ser419fs; shifts the reading frame from serine 419.
Molecular consequence: frameshift variant.
Genome position (GRCh38, 1-based): chr15:90,760,628, A deleted; the last of 4 consecutive A bases (chr15:90,760,625-90,760,628); deleting any one gives the same sequence. VCF-style (leftmost placement, unchanged base first): chr15-90760624-TA-T. GRCh37 (hg19) VCF-style: chr15-91303854-TA-T.
Other names: c.1255del, p.Ser419fs (NM_001287246.2, NM_001287247.2); c.130del, p.Ser44fs (NM_001287248.2); short protein forms S419fs, S44fs.
Identifiers: ClinVar variation 949100 (VCV000949100.8), dbSNP rs1895946786, ClinGen allele CA1139664159.

ClinVar aggregate classification (germline): Pathogenic (1 of 4 stars; one submission).

Conditions:
Bloom syndrome (BLM). Also called: Bloom-Torre-Machacek syndrome. Identifiers: Orphanet 125, MedGen C0005859, MONDO:0008876, OMIM 210900.

Submission:

Labcorp Genetics (formerly Invitae), Labcorp
Classification: Pathogenic for Bloom syndrome. Last evaluated: 2025-08-07. Review status: criteria provided, single submitter. Criteria: Invitae Variant Classification Sherloc (09022015). Collection method: clinical testing. Allele origin: germline.
Comment: This sequence change creates a premature translational stop signal (p.Ser419Valfs*32) in the BLM gene. It is expected to result in an absent or disrupted protein product. Loss-of-function variants in BLM are known to be pathogenic (PMID: 17407155). This variant is not present in population databases (gnomAD no frequency). This variant has not been reported in the literature in individuals affected with BLM-related conditions. ClinVar contains an entry for this variant (Variation ID: 949100). For these reasons, this variant has been classified as Pathogenic.

Literature cited by the submitters: PubMed 17407155.